The following is an entry in ClinVar:

ClinVar aggregate classification (germline): Uncertain significance (0 of 4 stars; one submission).

Submission:

Martin Pollak Laboratory,  Beth Israel Deaconess Medical Center
Classification: Uncertain significance. Review status: no assertion criteria provided. Collection method: not provided. Allele origin: unknown.
Comment: Lower and higher UCa2+ groups
ClinVar note: Converted during submission from unknown to Uncertain significance.

NM_004752.4(GCM2):c.906A>T (p.Thr302=)

Gene: GCM2 (glial cells missing transcription factor 2; minus strand). Cytogenetic location: 6p24.2.
Variant type: single nucleotide variant.
Coding change: c.906A>T on transcript NM_004752.4 (MANE Select); coding-DNA position 906, A replaced by T.
Protein change: p.Thr302=; no amino-acid change (threonine 302 retained).
Molecular consequence: synonymous variant.
Genome position (GRCh38, 1-based): chr6:10,874,610, T>A on the plus strand (A>T on the coding strand, the complement: GCM2 is on the minus strand). VCF-style: chr6-10874610-T-A. GRCh37 (hg19) VCF-style: chr6-10874843-T-A.
Identifiers: ClinVar variation 64544 (VCV000064544.2), dbSNP rs387907427, ClinGen allele CA216373.